The following is an entry in ClinVar:

NM_007186.6(CEP250):c.2230C>T (p.Arg744Trp)

Genes: CEP250 (centrosomal protein 250; plus strand), CEP250-AS1 (CEP250 antisense RNA 1; minus strand). Cytogenetic location: 20q11.22.
Variant type: single nucleotide variant.
Coding change: c.2230C>T on transcript NM_007186.6 (MANE Select); coding-DNA position 2230, C replaced by T.
Protein change: p.Arg744Trp; replaces arginine 744 with tryptophan.
Molecular consequence: missense variant.
Genome position (GRCh38, 1-based): chr20:35,479,366, C>T. VCF-style: chr20-35479366-C-T. GRCh37 (hg19) VCF-style: chr20-34067191-C-T.
Other names: c.334C>T, p.Arg112Trp (NM_001318219.1); short protein forms R744W, R112W.
Identifiers: ClinVar variation 860387 (VCV000860387.7), dbSNP rs199810583, ClinGen allele CA9833126.

ClinVar aggregate classification (germline): Uncertain significance. Review status: criteria provided, multiple submitters, no conflicts (2 of 4 stars). 2 submissions from 2 submitters: Uncertain significance (2). Last evaluated 2023-09-18.

Allele frequency attached by ClinVar (database versions not stated): ExAC 0.00007; gnomAD exomes 0.00009; gnomAD 0.00012 and 0.00014; TOPMed 0.00015.
gnomAD v4.1: 264 of 1,614,040 alleles (0.016%); highest among the groups gnomAD compares: Non-Finnish European, 0.02%; 1 homozygote.

Submissions (2):

Blueprint Genetics
Classification: Uncertain significance. Last evaluated: 2023-09-18. Review status: criteria provided, single submitter. Criteria: ACMG Guidelines, 2015. Collection method: clinical testing. Allele origin: germline.

Labcorp Genetics (formerly Invitae), Labcorp
Classification: Uncertain significance. Last evaluated: 2023-04-10. Review status: criteria provided, single submitter. Criteria: Invitae Variant Classification Sherloc (09022015). Collection method: clinical testing. Allele origin: germline.
Comment: In summary, the available evidence is currently insufficient to determine the role of this variant in disease. Therefore, it has been classified as a Variant of Uncertain Significance. An algorithm developed to predict the effect of missense changes on protein structure and function (PolyPhen-2) suggests that this variant is likely to be disruptive. ClinVar contains an entry for this variant (Variation ID: 860387). This variant has not been reported in the literature in individuals affected with CEP250-related conditions. This variant is present in population databases (rs199810583, gnomAD 0.02%). This sequence change replaces arginine, which is basic and polar, with tryptophan, which is neutral and slightly polar, at codon 744 of the CEP250 protein (p.Arg744Trp).